The following is an entry in ClinVar:

NM_001165963.4(SCN1A):c.5108A>G (p.Asp1703Gly)

Genes: SCN1A (sodium voltage-gated channel alpha subunit 1; minus strand), LOC102724058 (uncharacterized LOC102724058; plus strand). Cytogenetic location: 2q24.3.
Variant type: single nucleotide variant.
Coding change: c.5108A>G on transcript NM_001165963.4 (MANE Select); coding-DNA position 5108, A replaced by G.
Protein change: p.Asp1703Gly; replaces aspartic acid 1703 with glycine.
Molecular consequence: missense variant. On other transcripts: non-coding transcript variant (1).
Genome position (GRCh38, 1-based): chr2:165,992,167, T>C on the plus strand (A>G on the coding strand, the complement: SCN1A is on the minus strand). VCF-style: chr2-165992167-T-C. GRCh37 (hg19) VCF-style: chr2-166848677-T-C.
Other names: c.5024A>G, p.Asp1675Gly (NM_001165964.3, NM_001353957.2, NM_001353958.2); c.5108A>G, p.Asp1703Gly (NM_001202435.3, NM_001353948.2); c.5075A>G, p.Asp1692Gly (NM_001353949.2, NM_001353950.2, NM_001353951.2 and 2 more transcripts); c.5072A>G, p.Asp1691Gly (NM_001353954.2, NM_001353955.2); c.5021A>G, p.Asp1674Gly (NM_001353960.2); c.2666A>G, p.Asp889Gly (NM_001353961.2); short protein forms D1674G, D1692G, D1691G, D1703G, D1675G, D889G.
Identifiers: ClinVar variation 2761787 (VCV002761787.5), dbSNP rs794726802, ClinGen allele CA349069175.

ClinVar aggregate classification (germline): Conflicting classifications of pathogenicity. Review status: criteria provided, conflicting classifications (1 of 4 stars). 3 submissions from 3 submitters: Likely pathogenic (1); Uncertain significance (2). Last evaluated 2025-12-17.

Conditions:
SCN1A-related disorder. Also called: SCN1A-related conditions; SCN1A-related condition; SCN1A-related disorders.
Early-infantile DEE. Also called: Early infantile epileptic encephalopathy with suppression bursts; Ohtahara syndrome; Early infantile epileptic encephalopathy. Identifiers: Orphanet 1934, MedGen C0393706, MONDO:0800491.

Submissions (3):

3billion
Classification: Uncertain significance for SCN1A-related disorder. Last evaluated: 2025-12-17. Review status: criteria provided, single submitter. Criteria: ACMG Guidelines, 2015. Collection method: clinical testing. Allele origin: germline. Affected: yes.
Comment: The variant is not observed in the gnomAD v4.1.0 dataset. Predicted Consequence/Location: Missense variant In silico tool predictions suggest damaging effect of the variant on gene or gene product [REVEL: 0.92 (>=0.6, sensitivity 0.68 and specificity 0.92); 3Cnet: 0.99 (> 0.75, sensitivity 0.96 and precision 0.92)]. Different missense changes at the same codon (p.Asp1703Ala, p.Asp1703Tyr, p.Asp1703Val) have been reported as pathogenic/likely pathogenic with strong evidence (ClinVar ID: VCV000189966, VCV003720366 /PMID: 24168886, 28012175, 35571373). Therefore, this variant is classified as VUS according to the recommendation of ACMG/AMP guideline.

Labcorp Genetics (formerly Invitae), Labcorp
Classification: Uncertain significance for Early-infantile DEE. Last evaluated: 2023-10-29. Review status: criteria provided, single submitter. Criteria: Invitae Variant Classification Sherloc (09022015). Collection method: clinical testing. Allele origin: germline.
Comment: This sequence change replaces aspartic acid, which is acidic and polar, with glycine, which is neutral and non-polar, at codon 1703 of the SCN1A protein (p.Asp1703Gly). This variant is not present in population databases (gnomAD no frequency). This variant has not been reported in the literature in individuals affected with SCN1A-related conditions. Advanced modeling of protein sequence and biophysical properties (such as structural, functional, and spatial information, amino acid conservation, physicochemical variation, residue mobility, and thermodynamic stability) performed at Invitae indicates that this missense variant is expected to disrupt SCN1A protein function with a positive predictive value of 95%. This variant disrupts the p.Asp1703 amino acid residue in SCN1A. Other variant(s) that disrupt this residue have been observed in individuals with SCN1A-related conditions (PMID: 28012175, 35571373), which suggests that this may be a clinically significant amino acid residue. In summary, the available evidence is currently insufficient to determine the role of this variant in disease. Therefore, it has been classified as a Variant of Uncertain Significance.

Blueprint Genetics
Classification: Likely pathogenic for SCN1A-related disorders. Last evaluated: 2023-04-21. Review status: criteria provided, single submitter. Criteria: ACMG Guidelines, 2015. Collection method: clinical testing. Allele origin: germline. Affected: yes. Observed: 1 variant allele.

Literature cited by the submitters: PubMed 24168886 (cited by 3billion); PubMed 28012175 (cited by Labcorp Genetics (formerly Invitae), Labcorp); PubMed 35571373 (cited by Labcorp Genetics (formerly Invitae), Labcorp).